The following is an entry in ClinVar:

ClinVar aggregate classification (germline): Uncertain significance. Review status: criteria provided, multiple submitters, no conflicts (2 of 4 stars). 3 submissions from 3 submitters: Uncertain significance (3). Last evaluated 2025-04-07.

Conditions:
Inborn genetic diseases. Identifiers: MedGen C0950123, MeSH D030342.
Charcot-Marie-Tooth disease type 4. Also called: Charcot-Marie-Tooth disease, type IV; Charcot-Marie-Tooth, Type 4. Identifiers: Orphanet 64749, MedGen C4082197, MONDO:0018995.

Allele frequency attached by ClinVar (database versions not stated): TOPMed 0.00001.
gnomAD v4.1: 27 of 1,612,576 alleles (0.0017%); highest among the groups gnomAD compares: Non-Finnish European, 0.0022%; no homozygotes.

Submissions (3):

Mayo Clinic Laboratories, Mayo Clinic
Classification: Uncertain significance. Last evaluated: 2025-04-07. Review status: criteria provided, single submitter. Criteria: ACMG Guidelines, 2015. Collection method: clinical testing. Allele origin: germline. Observed: 1 variant allele.
Comment: PP3, PM2_supporting

Labcorp Genetics (formerly Invitae), Labcorp
Classification: Uncertain significance for Charcot-Marie-Tooth disease type 4. Last evaluated: 2022-08-23. Review status: criteria provided, single submitter. Criteria: Invitae Variant Classification Sherloc (09022015). Collection method: clinical testing. Allele origin: germline.
Comment: This variant is present in population databases (rs371432409, gnomAD 0.002%). This variant has not been reported in the literature in individuals affected with SBF2-related conditions. ClinVar contains an entry for this variant (Variation ID: 476912). Algorithms developed to predict the effect of missense changes on protein structure and function are either unavailable or do not agree on the potential impact of this missense change (SIFT: "Deleterious"; PolyPhen-2: "Probably Damaging"; Align-GVGD: "Class C0"). Algorithms developed to predict the effect of sequence changes on RNA splicing suggest that this variant may create or strengthen a splice site. In summary, the available evidence is currently insufficient to determine the role of this variant in disease. Therefore, it has been classified as a Variant of Uncertain Significance. This sequence change replaces isoleucine, which is neutral and non-polar, with arginine, which is basic and polar, at codon 377 of the SBF2 protein (p.Ile377Arg).

Ambry Genetics
Classification: Uncertain significance for Inborn genetic diseases. Last evaluated: 2022-06-24. Review status: criteria provided, single submitter. Criteria: Ambry Variant Classification Scheme 2023. Collection method: clinical testing. Allele origin: germline.

NM_030962.4(SBF2):c.1130T>G (p.Ile377Arg)

Gene: SBF2 (SET binding factor 2; minus strand). Cytogenetic location: 11p15.4.
Variant type: single nucleotide variant.
Coding change: c.1130T>G on transcript NM_030962.4 (MANE Select); coding-DNA position 1130, T replaced by G.
Protein change: p.Ile377Arg; replaces isoleucine 377 with arginine.
Molecular consequence: missense variant.
Genome position (GRCh38, 1-based): chr11:9,993,027, A>C on the plus strand (T>G on the coding strand, the complement: SBF2 is on the minus strand). VCF-style: chr11-9993027-A-C. GRCh37 (hg19) VCF-style: chr11-10014574-A-C.
Other names: p.Ile377Arg; c.1130T>G, p.Ile377Arg (NM_001386339.1, NM_001386342.1); short protein forms I377R.
Identifiers: ClinVar variation 476912 (VCV000476912.11), dbSNP rs371432409, ClinGen allele CA5881907.